The following is an entry in ClinVar:

NM_033347.2(KCNK7):c.671G>A (p.Arg224His)

Gene: KCNK7 (potassium two pore domain channel subfamily K member 7; minus strand). Cytogenetic location: 11q13.1.
Variant type: single nucleotide variant.
Coding change: c.671G>A on transcript NM_033347.2 (MANE Select); coding-DNA position 671, G replaced by A.
Protein change: p.Arg224His; replaces arginine 224 with histidine.
Molecular consequence: missense variant.
Genome position (GRCh38, 1-based): chr11:65,593,523, C>T on the plus strand (G>A on the coding strand, the complement: KCNK7 is on the minus strand). VCF-style: chr11-65593523-C-T. GRCh37 (hg19) VCF-style: chr11-65360994-C-T.
Other names: c.671G>A, p.Arg224His (NM_005714.2, NM_033348.2, NM_033455.2); short protein forms R224H.
Identifiers: ClinVar variation 5023016 (VCV005023016.1).

ClinVar aggregate classification (germline): Uncertain significance (1 of 4 stars; one submission).

gnomAD v4.1: 30 of 1,611,880 alleles (0.0019%); highest among the groups gnomAD compares: African/African-American, 0.013%; no homozygotes.

Submission:

Ambry Genetics
Classification: Uncertain significance. Last evaluated: 2026-07-03. Review status: criteria provided, single submitter. Criteria: Ambry Variant Classification Scheme 2023. Collection method: clinical testing. Allele origin: germline.
Comment: The c.671G>A (p.R224H) alteration is located in exon 2 (coding exon 2) of the KCNK7 gene. This alteration results from a G to A substitution at nucleotide position 671, causing the arginine (R) at amino acid position 224 to be replaced by a histidine (H). Based on data from gnomAD, the A allele has an overall frequency of 0.003% (7/275470) total alleles studied. The highest observed frequency was 0.012% (3/24128) of African alleles. Based on insufficient or conflicting evidence, the clinical significance of this alteration remains unclear.